The following is an entry in ClinVar:

NM_000553.6(WRN):c.2768A>C (p.Gln923Pro)

Gene: WRN (WRN RecQ like helicase; plus strand). Cytogenetic location: 8p12.
Variant type: single nucleotide variant.
Coding change: c.2768A>C on transcript NM_000553.6 (MANE Select); coding-DNA position 2768, A replaced by C.
Protein change: p.Gln923Pro; replaces glutamine 923 with proline.
Molecular consequence: missense variant.
Genome position (GRCh38, 1-based): chr8:31,124,943, A>C. VCF-style: chr8-31124943-A-C. GRCh37 (hg19) VCF-style: chr8-30982459-A-C.
Other names: short protein forms Q923P.
Identifiers: ClinVar variation 1506209 (VCV001506209.8), dbSNP rs2130344539, ClinGen allele CA370917669.

ClinVar aggregate classification (germline): Uncertain significance (1 of 4 stars; one submission).

Conditions:
Werner syndrome (WRN). Identifiers: Orphanet 902, MedGen C0043119, MONDO:0010196, OMIM 277700.

Allele frequency attached by ClinVar (database versions not stated): gnomAD exomes below 0.00001.
gnomAD v4.1: 2 of 1,613,238 alleles (0.00012%); highest among the groups gnomAD compares: South Asian, 0.0022%; no homozygotes.

Submission:

Labcorp Genetics (formerly Invitae), Labcorp
Classification: Uncertain significance for Werner syndrome. Last evaluated: 2024-11-05. Review status: criteria provided, single submitter. Criteria: Invitae Variant Classification Sherloc (09022015). Collection method: clinical testing. Allele origin: germline.
Comment: This sequence change replaces glutamine, which is neutral and polar, with proline, which is neutral and non-polar, at codon 923 of the WRN protein (p.Gln923Pro). This variant is not present in population databases (gnomAD no frequency). This variant has not been reported in the literature in individuals affected with WRN-related conditions. ClinVar contains an entry for this variant (Variation ID: 1506209). An algorithm developed to predict the effect of missense changes on protein structure and function (PolyPhen-2) suggests that this variant is likely to be tolerated. In summary, the available evidence is currently insufficient to determine the role of this variant in disease. Therefore, it has been classified as a Variant of Uncertain Significance.